The following is an entry in ClinVar:

ClinVar aggregate classification (germline): Uncertain significance (1 of 4 stars; one submission).

Conditions:
Hereditary breast ovarian cancer syndrome. Also called: Hereditary breast and ovarian cancer syndrome (HBOC); Hereditary breast and ovarian cancer syndrome; Breast and ovarian cancer; BRCA1- and BRCA2-Associated Hereditary Breast and Ovarian Cancer; Hereditary breast and ovarian cancer; Hereditary breast and/or ovarian cancer syndrome. Identifiers: Orphanet 145, MedGen C0677776, MeSH D061325, MONDO:0003582. Disease mechanism: loss of function.

Submission:

Labcorp Genetics (formerly Invitae), Labcorp
Classification: Uncertain significance for Hereditary breast ovarian cancer syndrome. Last evaluated: 2023-04-08. Review status: criteria provided, single submitter. Criteria: Invitae Variant Classification Sherloc (09022015). Collection method: clinical testing. Allele origin: germline.
Comment: Advanced modeling of protein sequence and biophysical properties (such as structural, functional, and spatial information, amino acid conservation, physicochemical variation, residue mobility, and thermodynamic stability) performed at Invitae indicates that this missense variant is not expected to disrupt BRCA2 protein function. In summary, the available evidence is currently insufficient to determine the role of this variant in disease. Therefore, it has been classified as a Variant of Uncertain Significance. This variant has not been reported in the literature in individuals affected with BRCA2-related conditions. This variant is not present in population databases (gnomAD no frequency). This sequence change replaces glutamine, which is neutral and polar, with leucine, which is neutral and non-polar, at codon 716 of the BRCA2 protein (p.Gln716Leu).

NM_000059.4(BRCA2):c.2147A>T (p.Gln716Leu)

Gene: BRCA2 (BRCA2 DNA repair associated; plus strand). Cytogenetic location: 13q13.1.
Variant type: single nucleotide variant.
Coding change: c.2147A>T on transcript NM_000059.4 (MANE Select); coding-DNA position 2147, A replaced by T.
Protein change: p.Gln716Leu; replaces glutamine 716 with leucine.
Molecular consequence: missense variant. On other transcripts: non-coding transcript variant (1), intron variant (2).
Genome position (GRCh38, 1-based): chr13:32,336,502, A>T. VCF-style: chr13-32336502-A-T. GRCh37 (hg19) VCF-style: chr13-32910639-A-T.
Other names: c.2147A>T, p.Gln716Leu (NM_001406719.1, NM_001406720.1); c.1909+3115A>T (NM_001406721.1); c.424+5472A>T (NM_001406722.1); short protein forms Q716L.
Identifiers: ClinVar variation 2853519 (VCV002853519.3), dbSNP rs2548523272, ClinGen allele CA387770163.